The following is an entry in ClinVar:

ClinVar aggregate classification (germline): Pathogenic (1 of 4 stars; one submission).

Conditions:
Myofibrillar myopathy 5. Also called: Filaminopathy (type); FILAMINOPATHY, AUTOSOMAL DOMINANT. Identifiers: Orphanet 171445, MedGen C1836050, MONDO:0012289, OMIM 609524.
Distal myopathy with posterior leg and anterior hand involvement. Also called: WILLIAMS DISTAL MYOPATHY. Identifiers: Orphanet 63273, MedGen C3279722, MONDO:0013550, OMIM 614065.
Hypertrophic cardiomyopathy 26. Also called: Cardiomyopathy, familial hypertrophic, 26. Identifiers: Orphanet 75249, MedGen C4310749, MONDO:0014883, OMIM 617047.

Submission:

Labcorp Genetics (formerly Invitae), Labcorp
Classification: Pathogenic for Distal myopathy with posterior leg and anterior hand involvement; Myofibrillar myopathy 5; Hypertrophic cardiomyopathy 26. Last evaluated: 2022-05-21. Review status: criteria provided, single submitter. Criteria: Invitae Variant Classification Sherloc (09022015). Collection method: clinical testing. Allele origin: germline.
Comment: For these reasons, this variant has been classified as Pathogenic. This variant has not been reported in the literature in individuals affected with FLNC-related conditions. This variant is not present in population databases (gnomAD no frequency). This sequence change creates a premature translational stop signal (p.Lys2019Glnfs*19) in the FLNC gene. It is expected to result in an absent or disrupted protein product. Loss-of-function variants in FLNC are known to be pathogenic (PMID: 27908349).

Literature cited by the submitters: PubMed 27908349.

NM_001458.5(FLNC):c.6054dup (p.Lys2019fs)

Genes: FLNC (filamin C; plus strand), FLNC-AS1 (FLNC antisense RNA 1; minus strand). Cytogenetic location: 7q32.1.
Variant type: Duplication.
Coding change: c.6054dup on transcript NM_001458.5 (MANE Select); coding-DNA position 6054, one base duplicated (C; older notation c.6054dupC).
Protein change: p.Lys2019fs; shifts the reading frame from lysine 2019.
Molecular consequence: frameshift variant.
Genome position (GRCh38, 1-based): chr7:128,852,877, C duplicated. VCF-style (leftmost placement, unchanged base first): chr7-128852876-G-GC. GRCh37 (hg19) VCF-style: chr7-128492930-G-GC.
Other names: c.5955dup, p.Lys1986fs (NM_001127487.2); short protein forms K1986fs, K2019fs.
Identifiers: ClinVar variation 2111182 (VCV002111182.4), dbSNP rs2536660071, ClinGen allele CA2580076673.